The following is an entry in ClinVar:

ClinVar aggregate classification (germline): Likely benign (1 of 4 stars; one submission).

Allele frequency attached by ClinVar (database versions not stated): 1000 Genomes Project 0.00120; 1000 Genomes Project 30x 0.00125; ExAC 0.00401; gnomAD 0.00414; ESP Exome Variant Server 0.00436; TOPMed 0.00442; gnomAD exomes 0.00581.
gnomAD v4.1: 9,051 of 1,614,080 alleles (0.56%); highest among the groups gnomAD compares: Non-Finnish European, 0.69%; 36 homozygotes.

Submission:

CeGaT Center for Human Genetics Tuebingen
Classification: Likely benign. Last evaluated: 2026-09-01. Review status: criteria provided, single submitter. Criteria: CeGaT Center For Human Genetics Tuebingen Variant Classification Criteria Version 2. Collection method: clinical testing. Allele origin: germline. Affected: yes. Observed: 5 variant alleles.
Comment: STOX1: BP4, BP7, BS2

NM_152709.5(STOX1):c.1902C>G (p.Thr634=)

Gene: STOX1 (storkhead box 1; plus strand). Cytogenetic location: 10q22.1.
Variant type: single nucleotide variant.
Coding change: c.1902C>G on transcript NM_152709.5 (MANE Select); coding-DNA position 1902, C replaced by G.
Protein change: p.Thr634=; no amino-acid change (threonine 634 retained).
Molecular consequence: synonymous variant. On other transcripts: intron variant (2).
Genome position (GRCh38, 1-based): chr10:68,885,698, C>G. VCF-style: chr10-68885698-C-G. GRCh37 (hg19) VCF-style: chr10-70645454-C-G.
Other names: c.1902C>G, p.Thr634= (NM_001130161.4); c.663+1239C>G (NM_001130159.3); c.463+3588C>G (NM_001130160.3).
Identifiers: ClinVar variation 2640538 (VCV002640538.24), dbSNP rs187810707, ClinGen allele CA5528244.